The following is an entry in ClinVar:

ClinVar aggregate classification (germline): Uncertain significance (1 of 4 stars; one submission).

Conditions:
Transcobalamin I deficiency (TCN1D). Also called: TCN1 DEFICIENCY; COBALAMIN PSEUDODEFICIENCY DUE TO TRANSCOBALAMIN DEFICIENCY; COBALAMIN R BINDER PROTEIN DEFICIENCY. Identifiers: Orphanet 2967, MedGen C0342700, MONDO:0008659, OMIM 193090.

Allele frequency attached by ClinVar (database versions not stated): ExAC 0.00002; gnomAD exomes 0.00002; TOPMed 0.00002.
gnomAD v4.1: 3 of 1,613,990 alleles (0.00019%); highest among the groups gnomAD compares: East Asian, 0.0067%; no homozygotes.

Submission:

Labcorp Genetics (formerly Invitae), Labcorp
Classification: Uncertain significance for Transcobalamin I deficiency. Last evaluated: 2024-02-17. Review status: criteria provided, single submitter. Criteria: Invitae Variant Classification Sherloc (09022015). Collection method: clinical testing. Allele origin: germline.
Comment: This sequence change falls in intron 4 of the TCN1 gene. It does not directly change the encoded amino acid sequence of the TCN1 protein. It affects a nucleotide within the consensus splice site. This variant is present in population databases (rs755195459, gnomAD 0.02%). This variant has not been reported in the literature in individuals affected with TCN1-related conditions. ClinVar contains an entry for this variant (Variation ID: 1018822). Variants that disrupt the consensus splice site are a relatively common cause of aberrant splicing (PMID: 17576681, 9536098). Algorithms developed to predict the effect of sequence changes on RNA splicing suggest that this variant may disrupt the consensus splice site. In summary, the available evidence is currently insufficient to determine the role of this variant in disease. Therefore, it has been classified as a Variant of Uncertain Significance.

Literature cited by the submitters: PubMed 17576681; PubMed 9536098.

NM_001062.4(TCN1):c.556+5G>A

Gene: TCN1 (transcobalamin 1; minus strand). Cytogenetic location: 11q12.1.
Variant type: single nucleotide variant.
Coding change: c.556+5G>A on transcript NM_001062.4 (MANE Select); 5 bases into the intron after coding-DNA position 556, G replaced by A.
Molecular consequence: intron variant.
Genome position (GRCh38, 1-based): chr11:59,861,522, C>T on the plus strand (G>A on the coding strand, the complement: TCN1 is on the minus strand). VCF-style: chr11-59861522-C-T. GRCh37 (hg19) VCF-style: chr11-59628995-C-T.
Identifiers: ClinVar variation 1018822 (VCV001018822.6), dbSNP rs755195459, ClinGen allele CA6021984.